The following is an entry in ClinVar:

NM_001135649.3(FOXI3):c.797G>C (p.Gly266Ala)

Gene: FOXI3 (forkhead box I3; minus strand). Cytogenetic location: 2p11.2.
Variant type: single nucleotide variant.
Coding change: c.797G>C on transcript NM_001135649.3 (MANE Select); coding-DNA position 797, G replaced by C.
Protein change: p.Gly266Ala; replaces glycine 266 with alanine.
Molecular consequence: missense variant.
Genome position (GRCh38, 1-based): chr2:88,448,673, C>G on the plus strand (G>C on the coding strand, the complement: FOXI3 is on the minus strand). VCF-style: chr2-88448673-C-G. GRCh37 (hg19) VCF-style: chr2-88748192-C-G.
Other names: short protein forms G266A.
Identifiers: ClinVar variation 4721690 (VCV004721690.1).
Genomic context (GRCh38, chr2:88,448,673, plus strand): 5'-TGGGAAGGCCTCAGCAGAGTGGAGGGGCTCTCTTCTTCTGGCTTCCCACCCACTCCAGAC[C>G]CCAATCCTGAGGAGAGCCCTTCTTCGGACTTTGATGTCCCAGCAGCCACTGTGGAGCCAT-3'
Protein context (NP_001129121.1, residues 256-276): KSEEGLSSGL[Gly266Ala]SGVGGKPEEE

ClinVar aggregate classification (germline): Uncertain significance (1 of 4 stars; one submission).

Submission:

Labcorp Genetics (formerly Invitae), Labcorp
Classification: Uncertain significance. Last evaluated: 2025-06-24. Review status: criteria provided, single submitter. Criteria: Invitae Variant Classification Sherloc (09022015). Collection method: clinical testing. Allele origin: germline.
Comment: This sequence change replaces glycine, which is neutral and non-polar, with alanine, which is neutral and non-polar, at codon 266 of the FOXI3 protein (p.Gly266Ala). This variant is not present in population databases (gnomAD no frequency). This variant has not been reported in the literature in individuals affected with FOXI3-related conditions. Experimental studies and prediction algorithms are not available or were not evaluated, and the functional significance of this variant is currently unknown. In summary, the available evidence is currently insufficient to determine the role of this variant in disease. Therefore, it has been classified as a Variant of Uncertain Significance.